The following is an entry in ClinVar:

ClinVar aggregate classification (germline): Uncertain significance. Review status: criteria provided, multiple submitters, no conflicts (2 of 4 stars). 5 submissions from 5 submitters: Uncertain significance (5). Last evaluated 2025-08-10.

Conditions:
Central core myopathy (CMYO1A). Also called: CONGENITAL MYOPATHY 1A, AUTOSOMAL DOMINANT, WITH SUSCEPTIBILITY TO MALIGNANT HYPERTHERMIA; Central core disease; Myopathy, central fibrillar. Identifiers: Orphanet 597, MedGen C5830701, MONDO:0007294, OMIM 117000.
Congenital multicore myopathy with external ophthalmoplegia (CMYO1B). Also called: MULTICORE MYOPATHY; Minicore myopathy with external ophthalmoplegia; MULTIMINICORE DISEASE WITH EXTERNAL OPHTHALMOPLEGIA; Congenital myopathy 1B, autosomal recessive; Minicore myopathy. Identifiers: Orphanet 598, Orphanet 98905, MedGen C1850674, MONDO:0009712, OMIM 255320, HP:0003789.
King Denborough syndrome (KDS). Identifiers: MedGen C1840365, MONDO:0020485, OMIM 619542.
Malignant hyperthermia, susceptibility to, 1 (MHS1). Also called: RYR1-Related Malignant Hyperthermia Susceptibility; Malignant hyperthermia suceptibility 1; Anesthesia related hyperthermia; Malignant hyperpyrexia; Fulminating hyperpyrexia; Pharmacogenic myopathy. Identifiers: Orphanet 423, MedGen C2930980, MONDO:0007783, OMIM 145600.
RYR1-related disorder. Also called: RYR1-related disorders; RYR1-related condition. Identifiers: MedGen CN239331.
Inborn genetic diseases. Identifiers: MedGen C0950123, MeSH D030342.

Allele frequency attached by ClinVar (database versions not stated): gnomAD 0.00004 and 0.00005; gnomAD exomes 0.00004; TOPMed 0.00004; ExAC 0.00015; 1000 Genomes Project 30x 0.00016; 1000 Genomes Project 0.00100.
gnomAD v4.1: 41 of 1,575,290 alleles (0.0026%); highest among the groups gnomAD compares: Middle Eastern, 0.023%; no homozygotes.

Submissions (5):

Ambry Genetics
Classification: Uncertain significance for Inborn genetic diseases. Last evaluated: 2025-08-10. Review status: criteria provided, single submitter. Criteria: Ambry Variant Classification Scheme 2023. Collection method: clinical testing. Allele origin: germline.

Revvity Omics, Revvity
Classification: Uncertain significance. Last evaluated: 2025-05-05. Review status: criteria provided, single submitter. Criteria: ACMG Guidelines, 2015. Collection method: clinical testing. Allele origin: germline.

Labcorp Genetics (formerly Invitae), Labcorp
Classification: Uncertain significance for RYR1-related disorder. Last evaluated: 2025-04-07. Review status: criteria provided, single submitter. Criteria: Invitae Variant Classification Sherloc (09022015). Collection method: clinical testing. Allele origin: germline.
Comment: This sequence change replaces glycine, which is neutral and non-polar, with serine, which is neutral and polar, at codon 1620 of the RYR1 protein (p.Gly1620Ser). The frequency data for this variant in the population databases is considered unreliable, as metrics indicate poor data quality at this position in the gnomAD database. This variant has not been reported in the literature in individuals affected with RYR1-related conditions. ClinVar contains an entry for this variant (Variation ID: 837347). Invitae Evidence Modeling of protein sequence and biophysical properties (such as structural, functional, and spatial information, amino acid conservation, physicochemical variation, residue mobility, and thermodynamic stability) indicates that this missense variant is not expected to disrupt RYR1 protein function with a negative predictive value of 80%. In summary, the available evidence is currently insufficient to determine the role of this variant in disease. Therefore, it has been classified as a Variant of Uncertain Significance.

Women's Health and Genetics/Laboratory Corporation of America, LabCorp
Classification: Uncertain significance. Last evaluated: 2024-11-04. Review status: criteria provided, single submitter. Criteria: LabCorp Variant Classification Summary - May 2015. Collection method: clinical testing. Allele origin: germline.
Comment: Variant summary: RYR1 c.4858G>A (p.Gly1620Ser) results in a non-conservative amino acid change in the encoded protein sequence. Three of five in-silico tools predict a benign effect of the variant on protein function. The variant allele was found at a frequency of 3.8e-05 in 185902 control chromosomes. The available data on variant occurrences in the general population are insufficient to allow any conclusion about variant significance. To our knowledge, no occurrence of c.4858G>A in individuals affected with Myopathy, RYR1-Associated and no experimental evidence demonstrating its impact on protein function have been reported. ClinVar contains an entry for this variant (Variation ID: 837347). Based on the evidence outlined above, the variant was classified as uncertain significance.

Juno Genomics, Hangzhou Juno Genomics, Inc
Classification: Uncertain significance for Malignant hyperthermia, susceptibility to, 1; Central core myopathy; Congenital multicore myopathy with external ophthalmoplegia; King Denborough syndrome. Review status: criteria provided, single submitter. Criteria: ACMG Guidelines, 2015. Collection method: clinical testing. Allele origin: germline.
Comment: Absent from controls (or at extremely low frequency if recessive) in Genome Aggregation Database.

NM_000540.3(RYR1):c.4858G>A (p.Gly1620Ser)

Gene: RYR1 (ryanodine receptor 1; plus strand). Cytogenetic location: 19q13.2.
Variant type: single nucleotide variant.
Coding change: c.4858G>A on transcript NM_000540.3 (MANE Select); coding-DNA position 4858, G replaced by A.
Protein change: p.Gly1620Ser; replaces glycine 1620 with serine.
Molecular consequence: missense variant.
Genome position (GRCh38, 1-based): chr19:38,483,440, G>A. VCF-style: chr19-38483440-G-A. GRCh37 (hg19) VCF-style: chr19-38974080-G-A.
Other names: c.4858G>A, p.Gly1620Ser (NM_001042723.2); short protein forms G1620S.
Identifiers: ClinVar variation 837347 (VCV000837347.11), dbSNP rs190382569, ClinGen allele CA066473.